The following is an entry in ClinVar:

NM_001267550.2(TTN):c.95652C>T (p.Thr31884=)

Genes: TTN-AS1 (TTN antisense RNA 1; plus strand), TTN (titin; minus strand). Cytogenetic location: 2q31.2.
Variant type: single nucleotide variant.
Coding change: c.95652C>T on transcript NM_001267550.2 (MANE Select); coding-DNA position 95652, C replaced by T.
Protein change: p.Thr31884=; no amino-acid change (threonine 31884 retained).
Molecular consequence: synonymous variant.
Genome position (GRCh38, 1-based): chr2:178,545,458, G>A on the plus strand (C>T on the coding strand, the complement: TTN is on the minus strand). VCF-style: chr2-178545458-G-A. GRCh37 (hg19) VCF-style: chr2-179410185-G-A.
Other names: c.90729C>T, p.Thr30243= (NM_001256850.1); c.68457C>T, p.Thr22819= (NM_003319.4); c.68832C>T, p.Thr22944= (NM_133432.3); c.69033C>T, p.Thr23011= (NM_133437.4); c.87948C>T, p.Thr29316= (NM_133378.4).
Identifiers: ClinVar variation 47560 (VCV000047560.17), dbSNP rs397517762, ClinGen allele CA141345.

ClinVar aggregate classification (germline): Likely benign. Review status: criteria provided, multiple submitters, no conflicts (2 of 4 stars). 3 submissions from 3 submitters: Likely benign (3). Last evaluated 2025-09-10.

Conditions:
Cardiovascular phenotype. Identifiers: MedGen CN230736.
Dilated cardiomyopathy 1G (CMD1G). Identifiers: Orphanet 154, MedGen C1858763, MONDO:0011400, OMIM 604145.
Autosomal recessive limb-girdle muscular dystrophy type 2J (LGMDR10). Also called: Limb-girdle muscular dystrophy, type 2J; MUSCULAR DYSTROPHY, LIMB-GIRDLE, AUTOSOMAL RECESSIVE 10. Identifiers: Orphanet 140922, MedGen C1837342, MONDO:0012127, OMIM 608807.

Allele frequency attached by ClinVar (database versions not stated): gnomAD 0.00001 and 0.00002; TOPMed 0.00001; gnomAD exomes 0.00002; ExAC 0.00003; 1000 Genomes Project 30x 0.00016; 1000 Genomes Project 0.00020.
gnomAD v4.1: 36 of 1,611,634 alleles (0.0022%); highest among the groups gnomAD compares: Admixed American, 0.0033%; no homozygotes.

Submissions (3):

Labcorp Genetics (formerly Invitae), Labcorp
Classification: Likely benign for Dilated cardiomyopathy 1G; Autosomal recessive limb-girdle muscular dystrophy type 2J. Last evaluated: 2025-09-10. Review status: criteria provided, single submitter. Criteria: Invitae Variant Classification Sherloc (09022015). Collection method: clinical testing. Allele origin: germline.

Ambry Genetics
Classification: Likely benign for Cardiovascular phenotype. Last evaluated: 2021-06-24. Review status: criteria provided, single submitter. Criteria: Ambry Variant Classification Scheme 2023. Collection method: clinical testing. Allele origin: germline.

Laboratory for Molecular Medicine, Mass General Brigham Personalized Medicine
Classification: Likely benign. Last evaluated: 2012-12-07. Review status: criteria provided, single submitter. Criteria: LMM Criteria. Collection method: clinical testing. Allele origin: germline. Observed: 1 variant allele.
Comment: Thr29316Thr in exon 293 of TTN: This variant is not expected to have clinical si gnificance because it does not alter an amino acid residue and is not located wi thin the splice consensus sequence. Thr29316Thr in exon 293 of TTN (allele fre quency = n/a)